The following is an entry in ClinVar:

NM_194248.3(OTOF):c.2736G>C (p.Leu912=)

Gene: OTOF (otoferlin; minus strand). Cytogenetic location: 2p23.3.
Variant type: single nucleotide variant.
Coding change: c.2736G>C on transcript NM_194248.3 (MANE Select); coding-DNA position 2736, G replaced by C.
Protein change: p.Leu912=; no amino-acid change (leucine 912 retained).
Molecular consequence: synonymous variant.
Genome position (GRCh38, 1-based): chr2:26,476,258, C>G on the plus strand (G>C on the coding strand, the complement: OTOF is on the minus strand). VCF-style: chr2-26476258-C-G. GRCh37 (hg19) VCF-style: chr2-26699126-C-G.
Other names: p.Leu912=; c.2736G>C, p.Leu912= (NM_001287489.2); c.495G>C, p.Leu165= (NM_004802.4, NM_194323.3); c.666G>C, p.Leu222= (NM_194322.3).
Identifiers: ClinVar variation 21839 (VCV000021839.40), dbSNP rs4335905, ClinGen allele CA142824.

ClinVar aggregate classification (germline): Benign. Review status: criteria provided, multiple submitters, no conflicts (2 of 4 stars). 13 submissions from 13 submitters: Benign (10). 3 of the submissions do not count toward it. Last evaluated 2026-02-04.

Conditions:
Autosomal recessive nonsyndromic hearing loss 9. Also called: OTOF-Related Hearing Loss; AUDITORY NEUROPATHY, AUTOSOMAL RECESSIVE, 1, TEMPERATURE-SENSITIVE; NEUROSENSORY NONSYNDROMIC RECESSIVE DEAFNESS 9; Deafness, autosomal recessive 9. Identifiers: Orphanet 90636, MedGen C1832828, MONDO:0010986, OMIM 601071.

Allele frequency attached by ClinVar (database versions not stated): TOPMed 0.58378; ESP Exome Variant Server 0.52979; gnomAD 0.56927 and 0.57301; 1000 Genomes Project 30x 0.70175; 1000 Genomes Project 0.70787.
gnomAD v4.1: 788,826 of 1,606,032 alleles (49%); highest among the groups gnomAD compares: East Asian, 98%; 205,642 homozygotes.

Submissions (13):

Labcorp Genetics (formerly Invitae), Labcorp
Classification: Benign. Last evaluated: 2026-02-04. Review status: criteria provided, single submitter. Criteria: Invitae Variant Classification Sherloc (09022015). Collection method: clinical testing. Allele origin: germline.

Women's Health and Genetics/Laboratory Corporation of America, LabCorp
Classification: Benign. Last evaluated: 2026-01-08. Review status: criteria provided, single submitter. Criteria: LabCorp Variant Classification Summary - May 2015. Collection method: clinical testing. Allele origin: germline.

ARUP Laboratories, Molecular Genetics and Genomics, ARUP Laboratories
Classification: Benign. Last evaluated: 2023-11-29. Review status: criteria provided, single submitter. Criteria: ARUP Molecular Germline Variant Investigation Process 2024. Collection method: clinical testing. Allele origin: germline.

Genome-Nilou Lab
Classification: Benign for Autosomal recessive nonsyndromic hearing loss 9. Last evaluated: 2021-09-05. Review status: criteria provided, single submitter. Criteria: ACMG Guidelines, 2015. Collection method: clinical testing. Allele origin: germline. Affected: no.

Mayo Clinic Laboratories, Mayo Clinic
Classification: Benign. Last evaluated: 2019-06-04. Review status: criteria provided, single submitter. Criteria: ACMG Guidelines, 2015. Collection method: clinical testing. Allele origin: germline. Observed: 163 variant alleles.

Illumina Laboratory Services, Illumina
Classification: Benign for Autosomal recessive nonsyndromic hearing loss 9. Last evaluated: 2018-01-12. Review status: criteria provided, single submitter. Criteria: ICSL Variant Classification Criteria 13 December 2019. Collection method: clinical testing. Allele origin: germline.
Comment: This variant was observed in the ICSL laboratory as part of a predisposition screen in an ostensibly healthy population. It had not been previously curated by ICSL or reported in the Human Gene Mutation Database (HGMD: prior to June 1st, 2018), and was therefore a candidate for classification through an automated scoring system. Utilizing variant allele frequency, disease prevalence and penetrance estimates, and inheritance mode, an automated score was calculated to assess if this variant is too frequent to cause the disease. Based on the score and internal cut-off values, a variant classified as benign is not then subjected to further curation. The score for this variant resulted in a classification of benign for this disease.

GeneDx
Classification: Benign. Last evaluated: 2017-05-09. Review status: criteria provided, single submitter. Criteria: GeneDx Variant Classification (06012015). Collection method: clinical testing. Allele origin: germline. Affected: yes.
Comment: This variant is considered likely benign or benign based on one or more of the following criteria: it is a conservative change, it occurs at a poorly conserved position in the protein, it is predicted to be benign by multiple in silico algorithms, and/or has population frequency not consistent with disease.

Laboratory for Molecular Medicine, Mass General Brigham Personalized Medicine
Classification: Benign. Last evaluated: 2007-03-02. Review status: criteria provided, single submitter. Criteria: LMM Criteria. Collection method: clinical testing. Allele origin: germline. Observed: 1,645 variant alleles.

Breakthrough Genomics
Classification: Benign. Review status: criteria provided, single submitter. Criteria: ACMG Guidelines, 2015. Collection method: not provided. Allele origin: germline. Inheritance: Autosomal recessive inheritance. Affected: yes.

PreventionGenetics, part of Exact Sciences
Classification: Benign. Review status: criteria provided, single submitter. Criteria: ACMG Guidelines, 2015. Collection method: clinical testing. Allele origin: germline.

Diagnostic Laboratory, Department of Genetics, University Medical Center Groningen
Classification: Benign. Review status: no assertion criteria provided. Collection method: clinical testing. Allele origin: germline. Affected: yes. Study: VKGL Data-share Consensus. Not counted in ClinVar's aggregate classification.

GeneReviews
No classification provided. Condition: Autosomal recessive nonsyndromic hearing loss 9. Review status: no classification provided. Collection method: literature only. Allele origin: unknown. Not counted in ClinVar's aggregate classification.

Joint Genome Diagnostic Labs from Nijmegen and Maastricht, Radboudumc and MUMC+
Classification: Benign. Review status: no assertion criteria provided. Collection method: clinical testing. Allele origin: germline. Affected: yes. Study: VKGL Data-share Consensus. Not counted in ClinVar's aggregate classification.

Literature cited by the submitters: PubMed 20301429 (cited by GeneReviews); NCBI Bookshelf NBK1251 (cited by GeneReviews).